The following is an entry in ClinVar:

NM_016580.4(PCDH12):c.307C>A (p.Pro103Thr)

Genes: PCDH12 (protocadherin 12; minus strand), RNF14 (ring finger protein 14; plus strand). Cytogenetic location: 5q31.3.
Variant type: single nucleotide variant.
Coding change: c.307C>A on transcript NM_016580.4 (MANE Select); coding-DNA position 307, C replaced by A.
Protein change: p.Pro103Thr; replaces proline 103 with threonine.
Molecular consequence: missense variant.
Genome position (GRCh38, 1-based): chr5:141,957,545, G>T on the plus strand (C>A on the coding strand, the complement: PCDH12 is on the minus strand). VCF-style: chr5-141957545-G-T. GRCh37 (hg19) VCF-style: chr5-141337110-G-T.
Other names: c.307C>A (NM_016580.2); short protein forms P103T.
Identifiers: ClinVar variation 1461778 (VCV001461778.5), dbSNP rs750318918, ClinGen allele CA3484582.

ClinVar aggregate classification (germline): Uncertain significance. Review status: criteria provided, multiple submitters, no conflicts (2 of 4 stars). 2 submissions from 2 submitters: Uncertain significance (2). Last evaluated 2023-01-26.

Conditions:
Inborn genetic diseases. Identifiers: MedGen C0950123, MeSH D030342.

Allele frequency attached by ClinVar (database versions not stated): gnomAD exomes 0.00001 and 0.00002; ExAC 0.00002; TOPMed 0.00002; gnomAD 0.00003.
gnomAD v4.1: 17 of 1,614,078 alleles (0.0011%); highest among the groups gnomAD compares: Admixed American, 0.0067%; no homozygotes.

Submissions (2):

Ambry Genetics
Classification: Uncertain significance for Inborn genetic diseases. Last evaluated: 2023-01-26. Review status: criteria provided, single submitter. Criteria: Ambry Variant Classification Scheme 2023. Collection method: clinical testing. Allele origin: germline.

Labcorp Genetics (formerly Invitae), Labcorp
Classification: Uncertain significance. Last evaluated: 2022-10-05. Review status: criteria provided, single submitter. Criteria: Invitae Variant Classification Sherloc (09022015). Collection method: clinical testing. Allele origin: germline.
Comment: This sequence change replaces proline, which is neutral and non-polar, with threonine, which is neutral and polar, at codon 103 of the PCDH12 protein (p.Pro103Thr). This variant is present in population databases (rs750318918, gnomAD 0.004%). This variant has not been reported in the literature in individuals affected with PCDH12-related conditions. ClinVar contains an entry for this variant (Variation ID: 1461778). Advanced modeling of protein sequence and biophysical properties (such as structural, functional, and spatial information, amino acid conservation, physicochemical variation, residue mobility, and thermodynamic stability) performed at Invitae indicates that this missense variant is not expected to disrupt PCDH12 protein function. In summary, the available evidence is currently insufficient to determine the role of this variant in disease. Therefore, it has been classified as a Variant of Uncertain Significance.